The following is an entry in ClinVar:

NC_000022.11:g.(?_19722428)_(19975757_?)del

Genes: TXNRD2 (thioredoxin reductase 2; minus strand), GP1BB (glycoprotein Ib platelet subunit beta; plus strand), RTL10 (retrotransposon Gag like 10; minus strand), ARVCF (ARVCF delta catenin family member; minus strand), GNB1L (G protein subunit beta 1 like; minus strand) and 16 more. Cytogenetic location: 22q11.21.
Variant type: Deletion.
Identifiers: ClinVar variation 584158 (VCV000584158.1).

ClinVar aggregate classification (germline): Pathogenic (1 of 4 stars; one submission).

Conditions:
DiGeorge syndrome. Also called: Catch22; THIRD AND FOURTH PHARYNGEAL POUCH SYNDROME. Identifiers: Orphanet 567, MedGen C0012236, MONDO:0008564, OMIM 188400.

Submission:

Labcorp Genetics (formerly Invitae), Labcorp
Classification: Pathogenic for DiGeorge sequence. Last evaluated: 2018-05-04. Review status: criteria provided, single submitter. Criteria: Invitae Variant Classification Sherloc (09022015). Collection method: clinical testing. Allele origin: germline.
Comment: A gross deletion of the genomic region encompassing the full coding sequence of the TBX1 gene has been identified. The boundaries of this event are unknown as the deletion extends beyond the assayed region for this gene and therefore may encompass additional genes. Whole gene deletions have been reported in many individuals with congenital heart defects (PMID: 25516202). Loss-of-function variants in TBX1 are known to be pathogenic (PMID: 11239417, 11242049). For these reasons, this variant has been classified as Pathogenic.

Literature cited by the submitters: PubMed 25516202.